The following is an entry in ClinVar:

ClinVar aggregate classification (germline): Uncertain significance (1 of 4 stars; one submission).

Conditions:
Renal cell carcinoma. Identifiers: Orphanet 217071, MedGen C0007134, MeSH D002292, MONDO:0005086, HP:0005584.

Allele frequency attached by ClinVar (database versions not stated): gnomAD exomes below 0.00001.
gnomAD v4.1: 2 of 1,614,134 alleles (0.00012%); highest among the groups gnomAD compares: Non-Finnish European, 0.00017%; no homozygotes.

Submission:

Labcorp Genetics (formerly Invitae), Labcorp
Classification: Uncertain significance for Renal cell carcinoma. Last evaluated: 2022-01-11. Review status: criteria provided, single submitter. Criteria: Invitae Variant Classification Sherloc (09022015). Collection method: clinical testing. Allele origin: germline.
Comment: This sequence change replaces arginine, which is basic and polar, with lysine, which is basic and polar, at codon 602 of the MET protein (p.Arg602Lys). In summary, the available evidence is currently insufficient to determine the role of this variant in disease. Therefore, it has been classified as a Variant of Uncertain Significance. Algorithms developed to predict the effect of missense changes on protein structure and function output the following: SIFT: "Tolerated"; PolyPhen-2: "Benign"; Align-GVGD: "Class C0". The lysine amino acid residue is found in multiple mammalian species, which suggests that this missense change does not adversely affect protein function. This variant has not been reported in the literature in individuals affected with MET-related conditions. This variant is present in population databases (no rsID available, gnomAD 0.0009%).

NM_000245.4(MET):c.1805G>A (p.Arg602Lys)

Gene: MET (MET proto-oncogene, receptor tyrosine kinase; plus strand). Cytogenetic location: 7q31.2.
Variant type: single nucleotide variant.
Coding change: c.1805G>A on transcript NM_000245.4 (MANE Select); coding-DNA position 1805, G replaced by A.
Protein change: p.Arg602Lys; replaces arginine 602 with lysine.
Molecular consequence: missense variant.
Genome position (GRCh38, 1-based): chr7:116,755,458, G>A. VCF-style: chr7-116755458-G-A. GRCh37 (hg19) VCF-style: chr7-116395512-G-A.
Other names: c.1805G>A, p.Arg602Lys (NM_001127500.3, NM_001324401.3); c.515G>A, p.Arg172Lys (NM_001324402.2); short protein forms R172K, R602K.
Identifiers: ClinVar variation 1524504 (VCV001524504.8), dbSNP rs1484732727, ClinGen allele CA368978035.
Genomic context (GRCh38, chr7:116,755,458, plus strand): 5'-CCATATGTGGCTGGGACTTTGGATTTCGGAGGAATAATAAATTTGATTTAAAGAAAACTA[G>A]AGTTCTCCTTGGAAATGAGAGCTGCACCTTGACTTTAAGTGAGAGCACGATGAATACGTA-3'
Protein context (NP_000236.2, residues 592-612): RNNKFDLKKT[Arg602Lys]VLLGNESCTL